The following is an entry in ClinVar:

ClinVar aggregate classification (germline): Pathogenic (1 of 4 stars; one submission).

Conditions:
Hereditary cancer-predisposing syndrome. Also called: Tumor predisposition; Hereditary Cancer Syndrome; Hereditary neoplastic syndrome; Neoplastic Syndromes, Hereditary. Identifiers: Orphanet 140162, MedGen C0027672, MeSH D009386, MONDO:0015356.

Submissions (2):

Color Diagnostics, LLC DBA Color Health
Classification: Pathogenic for Hereditary cancer-predisposing syndrome. Last evaluated: 2022-01-20. Review status: criteria provided, single submitter. Criteria: ACMG Guidelines, 2015. Collection method: clinical testing. Allele origin: germline.
Comment: This variant changes 1 nucleotide in exon 4 of the BRCA1 gene, creating a premature translation stop signal. This variant is expected to result in an absent or non-functional protein product. This variant has been reported to result in loss of BRCA1 function in a haploid cell proliferation assay (PMID: 30209399). To our knowledge, this variant has not been reported in individuals affected with hereditary cancer in the literature. This variant has not been identified in the general population by the Genome Aggregation Database (gnomAD). Loss of BRCA1 function is a known mechanism of disease. Based on the available evidence, this variant is classified as Pathogenic.

Brotman Baty Institute, University of Washington
No classification provided (evidence only). Condition: Breast-ovarian cancer, familial 1. Review status: no classification provided. Collection method: in vitro. Allele origin: not applicable. Functional consequence: functionally_abnormal. Not counted in ClinVar's aggregate classification.
ClinVar note: "not provided" was previously submitted as the classification for the variant. However, the classification appeared to be based only on an observation of functional data so it was converted to no classification on 2025-07-30.

Literature cited by the submitters: PubMed 30209399 (cited by Color Diagnostics, LLC DBA Color Health).

NM_007294.4(BRCA1):c.166A>T (p.Lys56Ter)

Gene: BRCA1 (BRCA1 DNA repair associated; minus strand). Cytogenetic location: 17q21.31.
Variant type: single nucleotide variant.
Coding change: c.166A>T on transcript NM_007294.4 (MANE Select); coding-DNA position 166, A replaced by T.
Protein change: p.Lys56Ter; replaces lysine 56 with a stop codon.
Molecular consequence: nonsense. On other transcripts: non-coding transcript variant (1).
Genome position (GRCh38, 1-based): chr17:43,106,502, T>A on the plus strand (A>T on the coding strand, the complement: BRCA1 is on the minus strand). VCF-style: chr17-43106502-T-A. GRCh37 (hg19) VCF-style: chr17-41258519-T-A.
Other names: c.-23A>T (NM_001407571.1, NM_001407853.1, NM_001407879.1 and 58 more transcripts); c.166A>T, p.Lys56Ter (NM_001407581.1, NM_001407582.1, NM_001407583.1 and 168 more transcripts); c.25A>T, p.Lys9Ter (NM_001407692.1, NM_001407694.1, NM_001407695.1 and 99 more transcripts); short protein forms K56*, K9*.
Identifiers: ClinVar variation 867295 (VCV000867295.5), dbSNP rs2054785999, ClinGen allele CA10601822.
Genomic context (GRCh38, chr17:43,106,502, plus strand): 5'-ACCAAATTATATACCTTTTGGTTATATCATTCTTACATAAAGGACACTGTGAAGGCCCTT[T>A]CTTCTGGTTGAGAAGTTTCAGCATGCAAAATCTATAAATTATAAAGAAAGAAAGAACAAT-3'